The following is an entry in ClinVar:

ClinVar aggregate classification (germline): Likely pathogenic (1 of 4 stars; one submission).

Submission:

Labcorp Genetics (formerly Invitae), Labcorp
Classification: Likely pathogenic. Last evaluated: 2023-04-09. Review status: criteria provided, single submitter. Criteria: Invitae Variant Classification Sherloc (09022015). Collection method: clinical testing. Allele origin: germline.
Comment: In summary, the currently available evidence indicates that the variant is pathogenic, but additional data are needed to prove that conclusively. Therefore, this variant has been classified as Likely Pathogenic. This variant has not been reported in the literature in individuals affected with FMO3-related conditions. This variant is not present in population databases (gnomAD no frequency). This sequence change affects an acceptor splice site in intron 7 of the FMO3 gene. It is expected to disrupt RNA splicing. Variants that disrupt the donor or acceptor splice site typically lead to a loss of protein function (PMID: 16199547), and loss-of-function variants in FMO3 are known to be pathogenic (PMID: 20301282).

Literature cited by the submitters: PubMed 16199547; PubMed 20301282.

NM_001002294.3(FMO3):c.1184-2A>G

Gene: FMO3 (flavin containing dimethylaniline monoxygenase 3; plus strand). Cytogenetic location: 1q24.3.
Variant type: single nucleotide variant.
Coding change: c.1184-2A>G on transcript NM_001002294.3 (MANE Select); the canonical splice acceptor site of the intron before coding-DNA position 1184, A replaced by G.
Molecular consequence: splice acceptor variant.
Genome position (GRCh38, 1-based): chr1:171,116,206, A>G. VCF-style: chr1-171116206-A-G. GRCh37 (hg19) VCF-style: chr1-171085346-A-G.
Other names: c.995-2A>G (NM_001319174.2); c.1124-2A>G (NM_001319173.2); c.1184-2A>G (NM_006894.6).
Identifiers: ClinVar variation 2854152 (VCV002854152.3), dbSNP rs2526362315, ClinGen allele CA343168635.